The following is an entry in ClinVar:

ClinVar aggregate classification (germline): Uncertain significance (1 of 4 stars; one submission).

Allele frequency attached by ClinVar (database versions not stated): gnomAD 0.00001.
gnomAD v4.1: 1 of 1,613,792 alleles (0.000062%); highest among the groups gnomAD compares: Admixed American, 0.0017%; no homozygotes.

Submission:

Labcorp Genetics (formerly Invitae), Labcorp
Classification: Uncertain significance. Last evaluated: 2023-04-11. Review status: criteria provided, single submitter. Criteria: Invitae Variant Classification Sherloc (09022015). Collection method: clinical testing. Allele origin: germline.
Comment: In summary, the available evidence is currently insufficient to determine the role of this variant in disease. Therefore, it has been classified as a Variant of Uncertain Significance. Advanced modeling of protein sequence and biophysical properties (such as structural, functional, and spatial information, amino acid conservation, physicochemical variation, residue mobility, and thermodynamic stability) performed at Invitae indicates that this missense variant is expected to disrupt COL4A4 protein function. This variant has not been reported in the literature in individuals affected with COL4A4-related conditions. This variant is present in population databases (no rsID available, gnomAD 0.003%). This sequence change replaces glycine, which is neutral and non-polar, with serine, which is neutral and polar, at codon 137 of the COL4A4 protein (p.Gly137Ser).

NM_000092.5(COL4A4):c.409G>A (p.Gly137Ser)

Gene: COL4A4 (collagen type IV alpha 4 chain; minus strand). Cytogenetic location: 2q36.3.
Variant type: single nucleotide variant.
Coding change: c.409G>A on transcript NM_000092.5 (MANE Select); coding-DNA position 409, G replaced by A.
Protein change: p.Gly137Ser; replaces glycine 137 with serine.
Molecular consequence: missense variant.
Genome position (GRCh38, 1-based): chr2:227,118,725, C>T on the plus strand (G>A on the coding strand, the complement: COL4A4 is on the minus strand). VCF-style: chr2-227118725-C-T. GRCh37 (hg19) VCF-style: chr2-227983441-C-T.
Other names: short protein forms G137S.
Identifiers: ClinVar variation 2855172 (VCV002855172.3), dbSNP rs1383488518, ClinGen allele CA350862081.